The following is an entry in ClinVar:

NM_001145715.3(KPNA7):c.811G>A (p.Gly271Ser)

Gene: KPNA7 (karyopherin subunit alpha 7; minus strand). Cytogenetic location: 7q22.1.
Variant type: single nucleotide variant.
Coding change: c.811G>A on transcript NM_001145715.3 (MANE Select); coding-DNA position 811, G replaced by A.
Protein change: p.Gly271Ser; replaces glycine 271 with serine.
Molecular consequence: missense variant.
Genome position (GRCh38, 1-based): chr7:99,188,389, C>T on the plus strand (G>A on the coding strand, the complement: KPNA7 is on the minus strand). VCF-style: chr7-99188389-C-T. GRCh37 (hg19) VCF-style: chr7-98786012-C-T.
Other names: short protein forms G271S.
Identifiers: ClinVar variation 1015848 (VCV001015848.7), dbSNP rs183724463, ClinGen allele CA4363188.

ClinVar aggregate classification (germline): Uncertain significance (1 of 4 stars; one submission).

Allele frequency attached by ClinVar (database versions not stated): gnomAD 0.00004 and 0.00008; TOPMed 0.00010; gnomAD exomes 0.00018 and 0.00023; ExAC 0.00042; 1000 Genomes Project 30x 0.00047; 1000 Genomes Project 0.00060.
gnomAD v4.1: 271 of 1,551,566 alleles (0.017%); highest among the groups gnomAD compares: East Asian, 0.056%; no homozygotes.

Submission:

Labcorp Genetics (formerly Invitae), Labcorp
Classification: Uncertain significance. Last evaluated: 2024-12-16. Review status: criteria provided, single submitter. Criteria: Invitae Variant Classification Sherloc (09022015). Collection method: clinical testing. Allele origin: germline.
Comment: This sequence change replaces glycine, which is neutral and non-polar, with serine, which is neutral and polar, at codon 271 of the KPNA7 protein (p.Gly271Ser). This variant is present in population databases (rs183724463, gnomAD 0.08%). This variant has not been reported in the literature in individuals affected with KPNA7-related conditions. ClinVar contains an entry for this variant (Variation ID: 1015848). Invitae Evidence Modeling of protein sequence and biophysical properties (such as structural, functional, and spatial information, amino acid conservation, physicochemical variation, residue mobility, and thermodynamic stability) indicates that this missense variant is not expected to disrupt KPNA7 protein function with a negative predictive value of 80%. In summary, the available evidence is currently insufficient to determine the role of this variant in disease. Therefore, it has been classified as a Variant of Uncertain Significance.